The following is an entry in ClinVar:

ClinVar aggregate classification (germline): Uncertain significance. Review status: criteria provided, multiple submitters, no conflicts (2 of 4 stars). 2 submissions from 2 submitters: Uncertain significance (2). Last evaluated 2022-06-27.

gnomAD v4.1: 1 of 1,613,956 alleles (0.000062%); highest among the groups gnomAD compares: Admixed American, 0.0017%; no homozygotes.

Submissions (2):

Labcorp Genetics (formerly Invitae), Labcorp
Classification: Uncertain significance. Last evaluated: 2022-06-27. Review status: criteria provided, single submitter. Criteria: Invitae Variant Classification Sherloc (09022015). Collection method: clinical testing. Allele origin: germline.
Comment: In summary, the available evidence is currently insufficient to determine the role of this variant in disease. Therefore, it has been classified as a Variant of Uncertain Significance. Algorithms developed to predict the effect of missense changes on protein structure and function are either unavailable or do not agree on the potential impact of this missense change (SIFT: "Not Available"; PolyPhen-2: "Probably Damaging"; Align-GVGD: "Not Available"). ClinVar contains an entry for this variant (Variation ID: 1053291). This variant has not been reported in the literature in individuals affected with TULP1-related conditions. This variant is not present in population databases (gnomAD no frequency). This sequence change replaces glycine, which is neutral and non-polar, with serine, which is neutral and polar, at codon 507 of the TULP1 protein (p.Gly507Ser).

Blueprint Genetics
Classification: Uncertain significance. Last evaluated: 2021-06-02. Review status: criteria provided, single submitter. Criteria: ACMG Guidelines, 2015. Collection method: clinical testing. Allele origin: germline.

NM_003322.6(TULP1):c.1519G>A (p.Gly507Ser)

Gene: TULP1 (TUB like protein 1; minus strand). Cytogenetic location: 6p21.31.
Variant type: single nucleotide variant.
Coding change: c.1519G>A on transcript NM_003322.6 (MANE Select); coding-DNA position 1519, G replaced by A.
Protein change: p.Gly507Ser; replaces glycine 507 with serine.
Molecular consequence: missense variant.
Genome position (GRCh38, 1-based): chr6:35,498,437, C>T on the plus strand (G>A on the coding strand, the complement: TULP1 is on the minus strand). VCF-style: chr6-35498437-C-T. GRCh37 (hg19) VCF-style: chr6-35466214-C-T.
Other names: c.1360G>A, p.Gly454Ser (NM_001289395.2); short protein forms G454S, G507S.
Identifiers: ClinVar variation 1053291 (VCV001053291.10), dbSNP rs2150921632, ClinGen allele CA363778350.